The following is an entry in ClinVar:

ClinVar aggregate classification (germline): Uncertain significance (1 of 4 stars; one submission).

Submission:

GeneDx
Classification: Uncertain significance. Last evaluated: 2023-11-10. Review status: criteria provided, single submitter. Criteria: GeneDx Variant Classification Process June 2021. Collection method: clinical testing. Allele origin: germline. Affected: yes.
Comment: Not observed at significant frequency in large population cohorts (gnomAD); In silico analysis supports that this missense variant does not alter protein structure/function; Has not been previously published as pathogenic or benign to our knowledge; This variant is associated with the following publications: (PMID: 18184292)

NM_000702.4(ATP1A2):c.1981G>C (p.Val661Leu)

Gene: ATP1A2 (ATPase Na+/K+ transporting subunit alpha 2; plus strand). Cytogenetic location: 1q23.2.
Variant type: single nucleotide variant.
Coding change: c.1981G>C on transcript NM_000702.4 (MANE Select); coding-DNA position 1981, G replaced by C.
Protein change: p.Val661Leu; replaces valine 661 with leucine.
Molecular consequence: missense variant.
Genome position (GRCh38, 1-based): chr1:160,135,161, G>C. VCF-style: chr1-160135161-G-C. GRCh37 (hg19) VCF-style: chr1-160104951-G-C.
Other names: short protein forms V661L.
Identifiers: ClinVar variation 2662950 (VCV002662950.1), dbSNP rs1651895766, ClinGen allele CA343247667.